The following is an entry in ClinVar:

ClinVar aggregate classification (germline): Likely benign (1 of 4 stars; one submission).

Conditions:
Familial cancer of breast. Also called: hereditary breast carcinoma; Hereditary breast cancer; BREAST CANCER, FAMILIAL. Identifiers: Orphanet 227535, MedGen C0346153, MONDO:0016419, OMIM 114480. Disease mechanism: loss of function.

Submission:

Myriad Genetics, Inc.
Classification: Likely benign for Familial cancer of breast. Last evaluated: 2024-07-26. Review status: criteria provided, single submitter. Criteria: Myriad Autosomal Dominant, Autosomal Recessive and X-Linked Classification Criteria (2023). Collection method: clinical testing. Allele origin: unknown.
Comment: This variant is considered likely benign. This variant is intronic and is not expected to impact mRNA splicing.

NM_000465.4(BARD1):c.1678-14T>C

Gene: BARD1 (BRCA1 associated RING domain 1; minus strand). Cytogenetic location: 2q35.
Variant type: single nucleotide variant.
Coding change: c.1678-14T>C on transcript NM_000465.4 (MANE Select); 14 bases into the intron before coding-DNA position 1678, T replaced by C.
Molecular consequence: intron variant.
Genome position (GRCh38, 1-based): chr2:214,745,868, A>G on the plus strand (T>C on the coding strand, the complement: BARD1 is on the minus strand). VCF-style: chr2-214745868-A-G. GRCh37 (hg19) VCF-style: chr2-215610592-A-G.
Other names: c.268-14T>C (NM_001282548.2); c.1621-14T>C (NM_001282543.2); c.325-14T>C (NM_001282545.2); c.365-15360T>C (NM_001282549.2).
Identifiers: ClinVar variation 3378503 (VCV003378503.1).